The following is an entry in ClinVar:

ClinVar aggregate classification (germline): Likely benign (0 of 4 stars; one submission).

Conditions:
CYLD-related disorder. Also called: CYLD-related condition.

Allele frequency attached by ClinVar (database versions not stated): TOPMed below 0.00001; gnomAD 0.00001; gnomAD exomes 0.00003.
gnomAD v4.1: 17 of 1,613,852 alleles (0.0011%); highest among the groups gnomAD compares: East Asian, 0.0022%; no homozygotes.

Submission:

PreventionGenetics, part of Exact Sciences
Classification: Likely benign for CYLD-related condition. Last evaluated: 2019-06-17. Review status: no assertion criteria provided. Collection method: clinical testing. Allele origin: germline.
Comment: This variant is classified as likely benign based on ACMG/AMP sequence variant interpretation guidelines (Richards et al. 2015 PMID: 25741868, with internal and published modifications).

NM_001378743.1(CYLD):c.2475C>T (p.His825=)

Genes: CYLD (CYLD lysine 63 deubiquitinase; plus strand), CYLD-AS2 (CYLD antisense RNA 2; minus strand). Cytogenetic location: 16q12.1.
Variant type: single nucleotide variant.
Coding change: c.2475C>T on transcript NM_001378743.1 (MANE Select); coding-DNA position 2475, C replaced by T.
Protein change: p.His825=; no amino-acid change (histidine 825 retained).
Molecular consequence: synonymous variant. On other transcripts: non-coding transcript variant (1).
Genome position (GRCh38, 1-based): chr16:50,794,217, C>T. VCF-style: chr16-50794217-C-T. GRCh37 (hg19) VCF-style: chr16-50828128-C-T.
Other names: c.2466C>T, p.His822= (NM_001042355.2, NM_001042412.3, NM_001378744.1 and 6 more transcripts); c.2436C>T, p.His812= (NM_001378751.1, NM_001378752.1, NM_001378753.1); c.1800C>T, p.His600= (NM_001378754.1, NM_001378755.1); c.2475C>T, p.His825= (NM_015247.3).
Identifiers: ClinVar variation 3034171 (VCV003034171.2), dbSNP rs918661035, ClinGen allele CA281278870.